The following is an entry in ClinVar:

NM_001385174.1(USP36):c.492C>T (p.Phe164=)

Gene: USP36 (ubiquitin specific peptidase 36; minus strand). Cytogenetic location: 17q25.3.
Variant type: single nucleotide variant.
Coding change: c.492C>T on transcript NM_001385174.1 (MANE Select); coding-DNA position 492, C replaced by T.
Protein change: p.Phe164=; no amino-acid change (phenylalanine 164 retained).
Molecular consequence: synonymous variant. On other transcripts: 5 prime UTR variant (3), non-coding transcript variant (5), intron variant (1).
Genome position (GRCh38, 1-based): chr17:78,828,991, G>A on the plus strand (C>T on the coding strand, the complement: USP36 is on the minus strand). VCF-style: chr17-78828991-G-A. GRCh37 (hg19) VCF-style: chr17-76825073-G-A.
Other names: c.492C>T, p.Phe164= (NM_001321291.2, NM_001385169.1, NM_001385170.1 and 5 more transcripts); c.-4C>T (NM_001385177.1, NM_001385178.1); c.-210C>T (NM_001385179.1); c.-71-1644C>T (NM_001385180.1).
Identifiers: ClinVar variation 775338 (VCV000775338.28), dbSNP rs147635914, ClinGen allele CA8807396.

ClinVar aggregate classification (germline): Benign/Likely benign. Review status: criteria provided, multiple submitters, no conflicts (2 of 4 stars). 3 submissions from 3 submitters: Benign (2); Likely benign (1). Last evaluated 2022-09-01.

Allele frequency attached by ClinVar (database versions not stated): 1000 Genomes Project 30x 0.00281; 1000 Genomes Project 0.00339; TOPMed 0.00498; gnomAD 0.00499 and 0.00545; ESP Exome Variant Server 0.00531; gnomAD exomes 0.00587; ExAC 0.00633.
gnomAD v4.1: 11,444 of 1,613,632 alleles (0.71%); highest among the groups gnomAD compares: Non-Finnish European, 0.86%; 52 homozygotes.

Submissions (3):

CeGaT Center for Human Genetics Tuebingen
Classification: Likely benign. Last evaluated: 2022-09-01. Review status: criteria provided, single submitter. Criteria: CeGaT Center For Human Genetics Tuebingen Variant Classification Criteria Version 2. Collection method: clinical testing. Allele origin: germline. Affected: yes. Observed: 1 variant allele.
Comment: USP36: BP4, BP7, BS2

Labcorp Genetics (formerly Invitae), Labcorp
Classification: Benign. Last evaluated: 2017-06-06. Review status: criteria provided, single submitter. Criteria: Invitae Variant Classification Sherloc (09022015). Collection method: clinical testing. Allele origin: germline.

Breakthrough Genomics
Classification: Benign. Review status: criteria provided, single submitter. Criteria: ACMG Guidelines, 2015. Collection method: not provided. Allele origin: germline. Inheritance: Unknown mechanism. Affected: yes.